The following is an entry in ClinVar:

NM_001122659.3(EDNRB):c.1325C>T (p.Ser442Phe)

Genes: EDNRB (endothelin receptor type B; minus strand), EDNRB-AS1 (EDNRB antisense RNA 1; plus strand). Cytogenetic location: 13q22.3.
Variant type: single nucleotide variant.
Coding change: c.1325C>T on transcript NM_001122659.3 (MANE Select); coding-DNA position 1325, C replaced by T.
Protein change: p.Ser442Phe; replaces serine 442 with phenylalanine.
Molecular consequence: missense variant. On other transcripts: intron variant (1).
Genome position (GRCh38, 1-based): chr13:77,898,204, G>A on the plus strand (C>T on the coding strand, the complement: EDNRB is on the minus strand). VCF-style: chr13-77898204-G-A. GRCh37 (hg19) VCF-style: chr13-78472339-G-A.
Other names: c.1325C>T, p.Ser442Phe (NM_000115.5); c.1595C>T, p.Ser532Phe (NM_001201397.2); c.1195-1646C>T (NM_003991.4); short protein forms S442F, S532F.
Identifiers: ClinVar variation 1307372 (VCV001307372.2), dbSNP rs2137599368, ClinGen allele CA388450276.

ClinVar aggregate classification (germline): Uncertain significance (1 of 4 stars; one submission).

Submission:

GeneDx
Classification: Uncertain significance. Last evaluated: 2019-07-26. Review status: criteria provided, single submitter. Criteria: GeneDx Variant Classification Process June 2021. Collection method: clinical testing. Allele origin: germline. Affected: yes.
Comment: Not observed in large population cohorts (Lek et al., 2016); In silico analysis, which includes protein predictors and evolutionary conservation, supports that this variant does not alter protein structure/function; Has not been previously published as pathogenic or benign to our knowledge